The following is an entry in ClinVar:

NM_014014.5(SNRNP200):c.1612A>G (p.Ile538Val)

Gene: SNRNP200 (small nuclear ribonucleoprotein U5 subunit 200; minus strand). Cytogenetic location: 2q11.2.
Variant type: single nucleotide variant.
Coding change: c.1612A>G on transcript NM_014014.5 (MANE Select); coding-DNA position 1612, A replaced by G.
Protein change: p.Ile538Val; replaces isoleucine 538 with valine.
Molecular consequence: missense variant.
Genome position (GRCh38, 1-based): chr2:96,296,595, T>C on the plus strand (A>G on the coding strand, the complement: SNRNP200 is on the minus strand). VCF-style: chr2-96296595-T-C. GRCh37 (hg19) VCF-style: chr2-96962333-T-C.
Other names: short protein forms I538V.
Identifiers: ClinVar variation 4856141 (VCV004856141.1).

ClinVar aggregate classification (germline): Uncertain significance (1 of 4 stars; one submission).

Conditions:
Retinitis pigmentosa 33 (RP33). Identifiers: Orphanet 791, MedGen C1835895, MONDO:0012477, OMIM 610359.

Submission:

3billion
Classification: Uncertain significance for Retinitis pigmentosa 33. Last evaluated: 2025-12-08. Review status: criteria provided, single submitter. Criteria: ACMG Guidelines, 2015. Collection method: clinical testing. Allele origin: germline. Affected: yes.
Comment: The variant is not observed in the gnomAD v4.1.0 dataset. Predicted Consequence/Location: Missense variant. Missense changes are a common disease-causing mechanism. In silico tool predictions suggest damaging effect of the variant on gene or gene product [3Cnet: 0.97 (> 0.75, sensitivity 0.96 and precision 0.92)]. A different missense change at the same codon (p.Ile538Met) has been reported to be associated with SNRNP200-related disorder (PMID: 25356976). However the evidence of pathogenicity is insufficient at this time. Therefore, this variant is classified as VUS according to the recommendation of ACMG/AMP guideline.

Literature cited by the submitters: PubMed 25356976.